The following is an entry in ClinVar:

ClinVar aggregate classification (germline): Likely pathogenic (1 of 4 stars; one submission).

Allele frequency attached by ClinVar (database versions not stated): ExAC 0.00001.

Submission:

Labcorp Genetics (formerly Invitae), Labcorp
Classification: Likely pathogenic. Last evaluated: 2022-12-31. Review status: criteria provided, single submitter. Criteria: Invitae Variant Classification Sherloc (09022015). Collection method: clinical testing. Allele origin: germline.
Comment: This variant is not present in population databases (gnomAD no frequency). In summary, the currently available evidence indicates that the variant is pathogenic, but additional data are needed to prove that conclusively. Therefore, this variant has been classified as Likely Pathogenic. Algorithms developed to predict the effect of sequence changes on RNA splicing suggest that this variant may disrupt the consensus splice site. ClinVar contains an entry for this variant (Variation ID: 1485934). Disruption of this splice site has been observed in individual(s) with Usher syndrome (PMID: 28041643). This sequence change affects an acceptor splice site in intron 23 of the MYO7A gene. It is expected to disrupt RNA splicing. Variants that disrupt the donor or acceptor splice site typically lead to a loss of protein function (PMID: 16199547), and loss-of-function variants in MYO7A are known to be pathogenic (PMID: 8900236, 25404053).

Literature cited by the submitters: PubMed 28041643; PubMed 16199547; PubMed 8900236; PubMed 25404053.

NM_000260.4(MYO7A):c.2905-2A>C

Gene: MYO7A (myosin VIIA; plus strand). Cytogenetic location: 11q13.5.
Variant type: single nucleotide variant.
Coding change: c.2905-2A>C on transcript NM_000260.4 (MANE Select); the canonical splice acceptor site of the intron before coding-DNA position 2905, A replaced by C.
Molecular consequence: splice acceptor variant.
Genome position (GRCh38, 1-based): chr11:77,181,949, A>C. VCF-style: chr11-77181949-A-C. GRCh37 (hg19) VCF-style: chr11-76892995-A-C.
Other names: c.2872-2A>C (NM_001369365.1); c.2905-2A>C (NM_001127180.2).
Identifiers: ClinVar variation 1485934 (VCV001485934.6), dbSNP rs782504358, ClinGen allele CA6197974.